The following is an entry in ClinVar:

ClinVar aggregate classification (germline): Uncertain significance (1 of 4 stars; one submission).

Submission:

GeneDx
Classification: Uncertain significance. Last evaluated: 2026-08-12. Review status: criteria provided, single submitter. Criteria: GeneDx Variant Classification Process June 2021. Collection method: clinical testing. Allele origin: germline.
Comment: Not observed at significant frequency in large population cohorts (gnomAD); In silico analysis supports that this missense variant has a deleterious effect on protein structure/function; Has not been previously published as pathogenic or benign to our knowledge; This substitution is predicted to be within the extracellular loop between the S5 and S6 transmembrane segments of the fourth homologous domain

NM_001040142.2(SCN2A):c.5249C>A (p.Ser1750Tyr)

Gene: SCN2A (sodium voltage-gated channel alpha subunit 2; plus strand). Cytogenetic location: 2q24.3.
Variant type: single nucleotide variant.
Coding change: c.5249C>A on transcript NM_001040142.2 (MANE Select); coding-DNA position 5249, C replaced by A.
Protein change: p.Ser1750Tyr; replaces serine 1750 with tyrosine.
Molecular consequence: missense variant.
Genome position (GRCh38, 1-based): chr2:165,389,055, C>A. VCF-style: chr2-165389055-C-A. GRCh37 (hg19) VCF-style: chr2-166245565-C-A.
Other names: c.5249C>A, p.Ser1750Tyr (NM_001040143.2, NM_001371246.1, NM_001371247.1 and 1 more transcripts); short protein forms S1750Y.
Identifiers: ClinVar variation 1676329 (VCV001676329.3), dbSNP rs2105402840, ClinGen allele CA349038542.
Genomic context (GRCh38, chr2:165,389,055, plus strand): 5'-ACTGTGACCCTGACAAAGATCACCCTGGAAGCTCAGTTAAAGGAGACTGTGGGAACCCAT[C>A]TGTTGGGATTTTCTTTTTTGTCAGTTACATCATCATATCCTTCCTGGTTGTGGTGAACAT-3'
Protein context (NP_001035232.1, residues 1740-1760): SSVKGDCGNP[Ser1750Tyr]VGIFFFVSYI